The following is an entry in ClinVar:

ClinVar aggregate classification (germline): Uncertain significance (1 of 4 stars; one submission).

Submission:

Greenwood Genetic Center Diagnostic Laboratories, Greenwood Genetic Center
Classification: Uncertain significance. Last evaluated: 2022-11-15. Review status: criteria provided, single submitter. Criteria: ACMG Guidelines, 2015. Collection method: clinical testing. Allele origin: germline. Affected: yes.
Comment: PM2, PP2, PP3

NM_001375524.1(TRRAP):c.205T>C (p.Phe69Leu)

Gene: TRRAP (transformation/transcription domain associated protein; plus strand). Cytogenetic location: 7q22.1.
Variant type: single nucleotide variant.
Coding change: c.205T>C on transcript NM_001375524.1 (MANE Select); coding-DNA position 205, T replaced by C.
Protein change: p.Phe69Leu; replaces phenylalanine 69 with leucine.
Molecular consequence: missense variant.
Genome position (GRCh38, 1-based): chr7:98,890,389, T>C. VCF-style: chr7-98890389-T-C. GRCh37 (hg19) VCF-style: chr7-98488012-T-C.
Other names: c.205T>C, p.Phe69Leu (NM_001244580.2, NM_003496.4); short protein forms F69L.
Identifiers: ClinVar variation 2429103 (VCV002429103.4), dbSNP rs2484648784, ClinGen allele CA368305583.